The following is an entry in ClinVar:

ClinVar aggregate classification (germline): Likely benign. Review status: criteria provided, single submitter (1 of 4 stars). 2 submissions from 2 submitters: Likely benign (1). 1 of the submissions does not count toward it. Last evaluated 2012-10-30.

Conditions:
RPS6KA3-related disorder. Also called: RPS6KA3-related condition.

Allele frequency attached by ClinVar (database versions not stated): gnomAD exomes 0.00001; TOPMed below 0.00001; gnomAD 0.00002.
gnomAD v4.1: 16 of 1,206,596 alleles (0.0013%); highest among the groups gnomAD compares: Non-Finnish European, 0.0018%; no homozygotes.

Submissions (2):

Eurofins Ntd Llc (ga)
Classification: Likely benign. Last evaluated: 2012-10-30. Review status: criteria provided, single submitter. Criteria: EGL Classification Definitions 2015. Collection method: clinical testing. Allele origin: germline. Observed: 2 variant alleles, 1 heterozygote, 1 hemizygote.

PreventionGenetics, part of Exact Sciences
Classification: Likely benign for RPS6KA3-related condition. Last evaluated: 2023-10-13. Review status: no assertion criteria provided. Collection method: clinical testing. Allele origin: germline. Not counted in ClinVar's aggregate classification.
Comment: This variant is classified as likely benign based on ACMG/AMP sequence variant interpretation guidelines (Richards et al. 2015 PMID: 25741868, with internal and published modifications).

NM_004586.3(RPS6KA3):c.285G>A (p.Gln95=)

Gene: RPS6KA3 (ribosomal protein S6 kinase A3; minus strand). Cytogenetic location: Xp22.12.
Variant type: single nucleotide variant.
Coding change: c.285G>A on transcript NM_004586.3 (MANE Select); coding-DNA position 285, G replaced by A.
Protein change: p.Gln95=; no amino-acid change (glutamine 95 retained).
Molecular consequence: synonymous variant.
Genome position (GRCh38, 1-based): chrX:20,204,062, C>T on the plus strand (G>A on the coding strand, the complement: RPS6KA3 is on the minus strand). VCF-style: chrX-20204062-C-T. GRCh37 (hg19) VCF-style: chrX-20222180-C-T.
Identifiers: ClinVar variation 95149 (VCV000095149.7), dbSNP rs398124176, ClinGen allele CA148273.